The following is an entry in ClinVar:

NM_004237.4(TRIP13):c.244G>A (p.Val82Ile)

Gene: TRIP13 (thyroid hormone receptor interactor 13; plus strand). Cytogenetic location: 5p15.33.
Variant type: single nucleotide variant.
Coding change: c.244G>A on transcript NM_004237.4 (MANE Select); coding-DNA position 244, G replaced by A.
Protein change: p.Val82Ile; replaces valine 82 with isoleucine.
Molecular consequence: missense variant.
Genome position (GRCh38, 1-based): chr5:894,938, G>A. VCF-style: chr5-894938-G-A. GRCh37 (hg19) VCF-style: chr5-895053-G-A.
Other names: c.244G>A, p.Val82Ile (NM_001166260.2); short protein forms V82I.
Identifiers: ClinVar variation 2893946 (VCV002893946.3), dbSNP rs1804865, ClinGen allele CA3179784.

ClinVar aggregate classification (germline): Uncertain significance (1 of 4 stars; one submission).

Allele frequency attached by ClinVar (database versions not stated): ExAC 0.00003; gnomAD 0.00003; TOPMed 0.00004; gnomAD exomes 0.00003.
gnomAD v4.1: 52 of 1,607,568 alleles (0.0032%); highest among the groups gnomAD compares: East Asian, 0.11%; 1 homozygote.

Submission:

Labcorp Genetics (formerly Invitae), Labcorp
Classification: Uncertain significance. Last evaluated: 2025-02-22. Review status: criteria provided, single submitter. Criteria: Invitae Variant Classification Sherloc (09022015). Collection method: clinical testing. Allele origin: germline.
Comment: This sequence change replaces valine, which is neutral and non-polar, with isoleucine, which is neutral and non-polar, at codon 82 of the TRIP13 protein (p.Val82Ile). This variant is present in population databases (rs1804865, gnomAD 0.07%). This variant has not been reported in the literature in individuals affected with TRIP13-related conditions. ClinVar contains an entry for this variant (Variation ID: 2893946). An algorithm developed to predict the effect of missense changes on protein structure and function outputs the following: PolyPhen-2: "Benign". The isoleucine amino acid residue is found in multiple mammalian species, which suggests that this missense change does not adversely affect protein function. In summary, the available evidence is currently insufficient to determine the role of this variant in disease. Therefore, it has been classified as a Variant of Uncertain Significance.